The following is an entry in ClinVar:

ClinVar aggregate classification (germline): Likely benign. Review status: criteria provided, multiple submitters, no conflicts (2 of 4 stars). 3 submissions from 3 submitters: Likely benign (3). Last evaluated 2025-09-15.

Conditions:
CACNA1E-related disorder. Also called: CACNA1E-related condition.

Allele frequency attached by ClinVar (database versions not stated): ExAC 0.00007; gnomAD exomes 0.00009; 1000 Genomes Project 0.00040; 1000 Genomes Project 30x 0.00047.
gnomAD v4.1: 175 of 1,613,534 alleles (0.011%); highest among the groups gnomAD compares: Non-Finnish European, 0.013%; no homozygotes.

Submissions (3):

Labcorp Genetics (formerly Invitae), Labcorp
Classification: Likely benign. Last evaluated: 2025-09-15. Review status: criteria provided, single submitter. Criteria: Invitae Variant Classification Sherloc (09022015). Collection method: clinical testing. Allele origin: germline.

PreventionGenetics, part of Exact Sciences
Classification: Likely benign for CACNA1E-related condition. Last evaluated: 2025-06-26. Review status: criteria provided, single submitter. Criteria: ACMG Guidelines, 2015. Collection method: clinical testing. Allele origin: germline.
Comment: This variant is classified as likely benign based on ACMG/AMP sequence variant interpretation guidelines (Richards et al. 2015 PMID: 25741868, with internal and published modifications).

CeGaT Center for Human Genetics Tuebingen
Classification: Likely benign. Last evaluated: 2025-01-01. Review status: criteria provided, single submitter. Criteria: CeGaT Center For Human Genetics Tuebingen Variant Classification Criteria Version 2. Collection method: clinical testing. Allele origin: germline. Affected: yes. Observed: 1 variant allele.
Comment: CACNA1E: BP4, BS1

NM_001205293.3(CACNA1E):c.204C>T (p.Ser68=)

Gene: CACNA1E (calcium voltage-gated channel subunit alpha1 E; plus strand). Cytogenetic location: 1q25.3.
Variant type: single nucleotide variant.
Coding change: c.204C>T on transcript NM_001205293.3 (MANE Select); coding-DNA position 204, C replaced by T.
Protein change: p.Ser68=; no amino-acid change (serine 68 retained).
Molecular consequence: synonymous variant.
Genome position (GRCh38, 1-based): chr1:181,483,948, C>T. VCF-style: chr1-181483948-C-T. GRCh37 (hg19) VCF-style: chr1-181453084-C-T.
Other names: c.204C>T, p.Ser68= (NM_000721.4, NM_001205294.2); c.204C>T (NM_000721.3).
Identifiers: ClinVar variation 1658027 (VCV001658027.22), dbSNP rs180688979, ClinGen allele CA1274845.